The following is an entry in ClinVar:

ClinVar aggregate classification (germline): Benign. Review status: criteria provided, multiple submitters, no conflicts (2 of 4 stars). 2 submissions from 2 submitters: Benign (2). Last evaluated 2018-06-14.

Allele frequency attached by ClinVar (database versions not stated): gnomAD exomes 0.57177; gnomAD 0.65406 and 0.65699; TOPMed 0.66360; 1000 Genomes Project 0.67991; 1000 Genomes Project 30x 0.68457.
gnomAD v4.1: 932,976 of 1,608,058 alleles (58%); highest among the groups gnomAD compares: African/African-American, 84%; 275,777 homozygotes.

Submissions (2):

GeneDx
Classification: Benign. Last evaluated: 2018-06-14. Review status: criteria provided, single submitter. Criteria: GeneDx Variant Classification (06012015). Collection method: clinical testing. Allele origin: germline. Affected: yes.
Comment: This variant is considered likely benign or benign based on one or more of the following criteria: it is a conservative change, it occurs at a poorly conserved position in the protein, it is predicted to be benign by multiple in silico algorithms, and/or has population frequency not consistent with disease.

Breakthrough Genomics
Classification: Benign. Review status: criteria provided, single submitter. Criteria: ACMG Guidelines, 2015. Collection method: not provided. Allele origin: germline. Inheritance: Autosomal recessive inheritance. Affected: yes.

NM_002474.3(MYH11):c.4953+63G>A

Genes: MYH11 (myosin heavy chain 11; minus strand), NDE1 (nudE neurodevelopment protein 1; plus strand). Cytogenetic location: 16p13.11.
Variant type: single nucleotide variant.
Coding change: c.4953+63G>A on transcript NM_002474.3 (MANE Select); 63 bases into the intron after coding-DNA position 4953, G replaced by A.
Molecular consequence: intron variant.
Genome position (GRCh38, 1-based): chr16:15,720,088, C>T on the plus strand (G>A on the coding strand, the complement: MYH11 is on the minus strand). VCF-style: chr16-15720088-C-T. GRCh37 (hg19) VCF-style: chr16-15813945-C-T.
Other names: c.948-4103C>T (NM_001143979.2, NM_017668.3); c.4953+63G>A (NM_022844.3); c.4974+63G>A (NM_001040114.2, NM_001040113.2).
Identifiers: ClinVar variation 672359 (VCV000672359.2), dbSNP rs2075512, ClinGen allele CA14214134.